The following is an entry in ClinVar:

NM_001128205.2(SULF1):c.76A>G (p.Arg26Gly)

Gene: SULF1 (sulfatase 1; plus strand). Cytogenetic location: 8q13.2.
Variant type: single nucleotide variant.
Coding change: c.76A>G on transcript NM_001128205.2 (MANE Select); coding-DNA position 76, A replaced by G.
Protein change: p.Arg26Gly; replaces arginine 26 with glycine.
Molecular consequence: missense variant. On other transcripts: non-coding transcript variant (2).
Genome position (GRCh38, 1-based): chr8:69,564,051, A>G. VCF-style: chr8-69564051-A-G. GRCh37 (hg19) VCF-style: chr8-70476286-A-G.
Other names: c.76A>G, p.Arg26Gly (NM_001128204.2, NM_001128206.2, NM_001412828.1 and 19 more transcripts); c.-134A>G (NM_001412841.1, NM_001412842.1); c.-451A>G (NM_001412844.1, NM_001412845.1); c.-1626A>G (NM_001412846.1); short protein forms R26G.
Identifiers: ClinVar variation 1921893 (VCV001921893.5), dbSNP rs754243786, ClinGen allele CA4775474.

ClinVar aggregate classification (germline): Uncertain significance (1 of 4 stars; one submission).

Allele frequency attached by ClinVar (database versions not stated): ExAC 0.00001; gnomAD exomes 0.00001; TOPMed 0.00001.
gnomAD v4.1: 17 of 1,614,234 alleles (0.0011%); highest among the groups gnomAD compares: Non-Finnish European, 0.0014%; no homozygotes.

Submission:

Labcorp Genetics (formerly Invitae), Labcorp
Classification: Uncertain significance. Last evaluated: 2024-11-11. Review status: criteria provided, single submitter. Criteria: Invitae Variant Classification Sherloc (09022015). Collection method: clinical testing. Allele origin: germline.
Comment: This sequence change replaces arginine, which is basic and polar, with glycine, which is neutral and non-polar, at codon 26 of the SULF1 protein (p.Arg26Gly). This variant is present in population databases (rs754243786, gnomAD 0.0009%). This variant has not been reported in the literature in individuals affected with SULF1-related conditions. ClinVar contains an entry for this variant (Variation ID: 1921893). An algorithm developed to predict the effect of missense changes on protein structure and function (PolyPhen-2) suggests that this variant is likely to be tolerated. In summary, the available evidence is currently insufficient to determine the role of this variant in disease. Therefore, it has been classified as a Variant of Uncertain Significance.